The following is an entry in ClinVar:

ClinVar aggregate classification (germline): Likely pathogenic (1 of 4 stars; one submission).

Submission:

Labcorp Genetics (formerly Invitae), Labcorp
Classification: Likely pathogenic. Last evaluated: 2023-08-07. Review status: criteria provided, single submitter. Criteria: Invitae Variant Classification Sherloc (09022015). Collection method: clinical testing. Allele origin: germline.
Comment: In summary, the currently available evidence indicates that the variant is pathogenic, but additional data are needed to prove that conclusively. Therefore, this variant has been classified as Likely Pathogenic. A similar copy number variant has been observed in individual(s) with oculocutaneous albinism (Invitae). This variant results in a copy number gain of the genomic region encompassing exon(s) 14 of the OCA2 gene. While the exact position of this variant cannot be determined from the data, sub-genic copy number gains are generally in tandem (PMID: 25640679). This variant is predicted to be out-of-frame, and may result in an absent or disrupted protein product. Loss-of-function variants in OCA2 are known to be pathogenic (PMID: 19865097, 21541274).

Literature cited by the submitters: PubMed 25640679; PubMed 19865097; PubMed 21541274.

NC_000015.9:g.(?_28228471)_(28228649_?)dup

Gene: OCA2 (OCA2 melanosomal transmembrane protein; minus strand). Cytogenetic location: 15q13.1.
Variant type: Duplication.
Identifiers: ClinVar variation 1508292 (VCV001508292.5).